The following is an entry in ClinVar:

NM_002168.4(IDH2):c.800A>G (p.Gln267Arg)

Gene: IDH2 (isocitrate dehydrogenase (NADP(+)) 2; minus strand). Cytogenetic location: 15q26.1.
Variant type: single nucleotide variant.
Coding change: c.800A>G on transcript NM_002168.4 (MANE Select); coding-DNA position 800, A replaced by G.
Protein change: p.Gln267Arg; replaces glutamine 267 with arginine.
Molecular consequence: missense variant.
Genome position (GRCh38, 1-based): chr15:90,087,454, T>C on the plus strand (A>G on the coding strand, the complement: IDH2 is on the minus strand). VCF-style: chr15-90087454-T-C. GRCh37 (hg19) VCF-style: chr15-90630686-T-C.
Other names: c.644A>G, p.Gln215Arg (NM_001289910.1); c.410A>G, p.Gln137Arg (NM_001290114.2); short protein forms Q137R, Q215R, Q267R.
Identifiers: ClinVar variation 4755927 (VCV004755927.1).

ClinVar aggregate classification (germline): Uncertain significance (1 of 4 stars; one submission).

gnomAD v4.1: 1 of 1,614,216 alleles (0.000062%); highest among the groups gnomAD compares: African/African-American, 0.0013%; no homozygotes.

Submission:

GeneDx
Classification: Uncertain significance. Last evaluated: 2025-08-05. Review status: criteria provided, single submitter. Criteria: GeneDx Variant Classification Process June 2021. Collection method: clinical testing. Allele origin: germline. Affected: yes.
Comment: Not observed at significant frequency in large population cohorts (gnomAD); In silico analysis supports that this missense variant has a deleterious effect on protein structure/function; Has not been previously published as pathogenic or benign to our knowledge